The following is an entry in ClinVar:

ClinVar aggregate classification (germline): Likely benign. Review status: criteria provided, multiple submitters, no conflicts (2 of 4 stars). 3 submissions from 3 submitters: Likely benign (3). Last evaluated 2020-09-27.

Conditions:
Inborn genetic diseases. Identifiers: MedGen C0950123, MeSH D030342.
Charcot-Marie-Tooth disease type 2. Also called: Charcot-Marie-Tooth type 2. Identifiers: Orphanet 64746, MedGen C0270914, MONDO:0018993.

Allele frequency attached by ClinVar (database versions not stated): gnomAD exomes below 0.00001.
gnomAD v4.1: 5 of 1,614,132 alleles (0.00031%); highest among the groups gnomAD compares: Non-Finnish European, 0.00042%; no homozygotes.

Submissions (3):

Labcorp Genetics (formerly Invitae), Labcorp
Classification: Likely benign for Charcot-Marie-Tooth disease type 2. Last evaluated: 2020-09-27. Review status: criteria provided, single submitter. Criteria: Invitae Variant Classification Sherloc (09022015). Collection method: clinical testing. Allele origin: germline.

Ambry Genetics
Classification: Likely benign for Inborn genetic diseases. Last evaluated: 2019-07-11. Review status: criteria provided, single submitter. Criteria: Ambry Variant Classification Scheme 2023. Collection method: clinical testing. Allele origin: germline.

GeneDx
Classification: Likely benign. Last evaluated: 2017-08-10. Review status: criteria provided, single submitter. Criteria: GeneDx Variant Classification (06012015). Collection method: clinical testing. Allele origin: germline. Affected: yes.
Comment: This variant is considered likely benign or benign based on one or more of the following criteria: it is a conservative change, it occurs at a poorly conserved position in the protein, it is predicted to be benign by multiple in silico algorithms, and/or has population frequency not consistent with disease.

NM_001605.3(AARS1):c.453A>G (p.Glu151=)

Gene: AARS1 (alanyl-tRNA synthetase 1; minus strand). Cytogenetic location: 16q22.1.
Variant type: single nucleotide variant.
Coding change: c.453A>G on transcript NM_001605.3 (MANE Select); coding-DNA position 453, A replaced by G.
Protein change: p.Glu151=; no amino-acid change (glutamic acid 151 retained).
Molecular consequence: synonymous variant.
Genome position (GRCh38, 1-based): chr16:70,276,512, T>C on the plus strand (A>G on the coding strand, the complement: AARS1 is on the minus strand). VCF-style: chr16-70276512-T-C. GRCh37 (hg19) VCF-style: chr16-70310415-T-C.
Identifiers: ClinVar variation 510997 (VCV000510997.11), dbSNP rs765555696, ClinGen allele CA283448907.